The following is an entry in ClinVar:

ClinVar aggregate classification (germline): Pathogenic. Review status: criteria provided, multiple submitters, no conflicts (2 of 4 stars). 2 submissions from 2 submitters: Pathogenic (2). Last evaluated 2024-05-08.

Conditions:
Primary ciliary dyskinesia 3. Identifiers: Orphanet 244, MedGen C1837618, MONDO:0012085, OMIM 608644.
Primary ciliary dyskinesia. Also called: Ciliary dyskinesia. Identifiers: Orphanet 244, MedGen C0008780, MONDO:0016575, HP:0012265.

Submissions (2):

Myriad Genetics, Inc.
Classification: Pathogenic for Primary ciliary dyskinesia 3. Last evaluated: 2024-05-08. Review status: criteria provided, single submitter. Criteria: Myriad Autosomal Dominant, Autosomal Recessive and X-Linked Classification Criteria (2023). Collection method: clinical testing. Allele origin: unknown.
Comment: NM_001369.2(DNAH5):c.12762_12763delAG(R4254Sfs*3) is expected to be pathogenic in the context of primary ciliary dyskinesia, DNAH5-related. This variant is predicted to lead to an abnormal or absent protein product due to the creation of a premature termination codon in DNAH5, a gene where loss-of-function variants are known to be pathogenic. Please note: this variant was assessed in the context of healthy population screening.

Labcorp Genetics (formerly Invitae), Labcorp
Classification: Pathogenic for Primary ciliary dyskinesia. Last evaluated: 2024-03-07. Review status: criteria provided, single submitter. Criteria: Invitae Variant Classification Sherloc (09022015). Collection method: clinical testing. Allele origin: germline.
Comment: This sequence change creates a premature translational stop signal (p.Arg4254Serfs*3) in the DNAH5 gene. It is expected to result in an absent or disrupted protein product. Loss-of-function variants in DNAH5 are known to be pathogenic (PMID: 11788826, 16627867). This variant is not present in population databases (gnomAD no frequency). This variant has not been reported in the literature in individuals affected with DNAH5-related conditions. ClinVar contains an entry for this variant (Variation ID: 643108). Algorithms developed to predict the effect of sequence changes on RNA splicing suggest that this variant may disrupt the consensus splice site. For these reasons, this variant has been classified as Pathogenic.

Literature cited by the submitters: PubMed 11788826 (cited by Labcorp Genetics (formerly Invitae), Labcorp); PubMed 16627867 (cited by Labcorp Genetics (formerly Invitae), Labcorp).

NM_001369.3(DNAH5):c.12762_12763del (p.Arg4254fs)

Gene: DNAH5 (dynein axonemal heavy chain 5; minus strand). Cytogenetic location: 5p15.2.
Variant type: Microsatellite.
Coding change: c.12762_12763del on transcript NM_001369.3 (MANE Select); coding-DNA positions 12762 to 12763, 2 bases deleted (AG; older notation c.12762_12763delAG).
Protein change: p.Arg4254fs; shifts the reading frame from arginine 4254.
Molecular consequence: frameshift variant.
Genome position (GRCh38, 1-based): chr5:13,716,633-13,716,634, CT deleted on the plus strand (AG on the coding strand, the reverse complement: DNAH5 is on the minus strand); deleting any 2 consecutive bases within chr5:13,716,633-13,716,636 gives the same sequence; the c. name uses the placement nearest the transcript's 3' end. VCF-style (leftmost placement, unchanged base first): chr5-13716632-ACT-A. GRCh37 (hg19) VCF-style: chr5-13716741-ACT-A.
Other names: c.12762_12763delAG (NM_001369.2); short protein forms R4254fs.
Identifiers: ClinVar variation 643108 (VCV000643108.9), dbSNP rs1579881985, ClinGen allele CA915943339.